The following is an entry in ClinVar:

ClinVar aggregate classification (germline): Uncertain significance (1 of 4 stars; one submission).

gnomAD v4.1: 2 of 1,613,232 alleles (0.00012%); highest among the groups gnomAD compares: Admixed American, 0.0033%; no homozygotes.

Submission:

Labcorp Genetics (formerly Invitae), Labcorp
Classification: Uncertain significance. Last evaluated: 2022-04-10. Review status: criteria provided, single submitter. Criteria: Invitae Variant Classification Sherloc (09022015). Collection method: clinical testing. Allele origin: germline.
Comment: In summary, the available evidence is currently insufficient to determine the role of this variant in disease. Therefore, it has been classified as a Variant of Uncertain Significance. This sequence change replaces isoleucine, which is neutral and non-polar, with methionine, which is neutral and non-polar, at codon 364 of the C2CD3 protein (p.Ile364Met). This variant is present in population databases (no rsID available, gnomAD 0.006%). This variant has not been reported in the literature in individuals affected with C2CD3-related conditions. Algorithms developed to predict the effect of missense changes on protein structure and function output the following: SIFT: "Deleterious"; PolyPhen-2: "Benign"; Align-GVGD: "Class C0". The methionine amino acid residue is found in multiple mammalian species, which suggests that this missense change does not adversely affect protein function.

NM_001286577.2(C2CD3):c.1092C>G (p.Ile364Met)

Gene: C2CD3 (C2 domain containing 3 centriole elongation regulator; minus strand). Cytogenetic location: 11q13.4.
Variant type: single nucleotide variant.
Coding change: c.1092C>G on transcript NM_001286577.2 (MANE Select); coding-DNA position 1092, C replaced by G.
Protein change: p.Ile364Met; replaces isoleucine 364 with methionine.
Molecular consequence: missense variant.
Genome position (GRCh38, 1-based): chr11:74,132,969, G>C on the plus strand (C>G on the coding strand, the complement: C2CD3 is on the minus strand). VCF-style: chr11-74132969-G-C. GRCh37 (hg19) VCF-style: chr11-73844014-G-C.
Other names: c.1092C>G, p.Ile364Met (NM_015531.6); short protein forms I364M.
Identifiers: ClinVar variation 1983413 (VCV001983413.4), dbSNP rs746593780, ClinGen allele CA381814475.